The following is an entry in ClinVar:

NM_000051.4(ATM):c.1369C>G (p.Arg457Gly)

Gene: ATM (ATM serine/threonine kinase; plus strand). Cytogenetic location: 11q22.3.
Variant type: single nucleotide variant.
Coding change: c.1369C>G on transcript NM_000051.4 (MANE Select); coding-DNA position 1369, C replaced by G.
Protein change: p.Arg457Gly; replaces arginine 457 with glycine.
Molecular consequence: missense variant.
Genome position (GRCh38, 1-based): chr11:108,250,834, C>G. VCF-style: chr11-108250834-C-G. GRCh37 (hg19) VCF-style: chr11-108121561-C-G.
Other names: c.1369C>G, p.Arg457Gly (NM_001351834.2); short protein forms R457G.
Identifiers: ClinVar variation 236672 (VCV000236672.10), dbSNP rs749036865, ClinGen allele CA6264808.

ClinVar aggregate classification (germline): Uncertain significance. Review status: criteria provided, multiple submitters, no conflicts (2 of 4 stars). 4 submissions from 4 submitters: Uncertain significance (4). Last evaluated 2026-01-09.

Conditions:
Hereditary cancer-predisposing syndrome. Also called: Tumor predisposition; Hereditary neoplastic syndrome; Hereditary Cancer Syndrome; Neoplastic Syndromes, Hereditary. Identifiers: Orphanet 140162, MedGen C0027672, MeSH D009386, MONDO:0015356.
Ataxia-telangiectasia syndrome (AT). Also called: Ataxia-telangiectasia; Cerebello-oculocutaneous telangiectasia; Immunodeficiency with ataxia telangiectasia; Ataxia-telangiectasia, complementation group D; AT, COMPLEMENTATION GROUP C; LOUIS-BAR SYNDROME. Identifiers: Orphanet 100, MedGen C0004135, MONDO:0008840, OMIM 208900.

Allele frequency attached by ClinVar (database versions not stated): ExAC 0.00001.
gnomAD v4.1: 2 of 1,614,072 alleles (0.00012%); highest among the groups gnomAD compares: East Asian, 0.0022%; no homozygotes.

Submissions (4):

Ambry Genetics
Classification: Uncertain significance for Hereditary cancer-predisposing syndrome. Last evaluated: 2026-01-09. Review status: criteria provided, single submitter. Criteria: Ambry Variant Classification Scheme 2023. Collection method: clinical testing. Allele origin: germline.
Comment: The p.R457G variant (also known as c.1369C>G), located in coding exon 9 of the ATM gene, results from a C to G substitution at nucleotide position 1369. The arginine at codon 457 is replaced by glycine, an amino acid with dissimilar properties. In an assay testing ATM function, this variant showed a functionally normal result (Lee KS et al. Cell, 2025 Sep;188:5081-5099.e27). This amino acid position is well conserved in available vertebrate species. In addition, the in silico prediction for this alteration is inconclusive. Based on the available evidence, the clinical significance of this variant remains unclear.

Labcorp Genetics (formerly Invitae), Labcorp
Classification: Uncertain significance for Ataxia-telangiectasia syndrome. Last evaluated: 2025-05-26. Review status: criteria provided, single submitter. Criteria: Invitae Variant Classification Sherloc (09022015). Collection method: clinical testing. Allele origin: germline.
Comment: This sequence change replaces arginine, which is basic and polar, with glycine, which is neutral and non-polar, at codon 457 of the ATM protein (p.Arg457Gly). This variant is present in population databases (rs749036865, gnomAD 0.006%). This variant has not been reported in the literature in individuals affected with ATM-related conditions. ClinVar contains an entry for this variant (Variation ID: 236672). Invitae Evidence Modeling of protein sequence and biophysical properties (such as structural, functional, and spatial information, amino acid conservation, physicochemical variation, residue mobility, and thermodynamic stability) indicates that this missense variant is not expected to disrupt ATM protein function with a negative predictive value of 95%. In summary, the available evidence is currently insufficient to determine the role of this variant in disease. Therefore, it has been classified as a Variant of Uncertain Significance.

Women's Health and Genetics/Laboratory Corporation of America, LabCorp
Classification: Uncertain significance. Last evaluated: 2024-07-08. Review status: criteria provided, single submitter. Criteria: LabCorp Variant Classification Summary - May 2015. Collection method: clinical testing. Allele origin: germline.

Color Diagnostics, LLC DBA Color Health
Classification: Uncertain significance for Hereditary cancer-predisposing syndrome. Last evaluated: 2018-10-05. Review status: criteria provided, single submitter. Criteria: ACMG Guidelines, 2015. Collection method: clinical testing. Allele origin: germline.

Literature cited by the submitters: PubMed 40580951 (cited by Ambry Genetics).